The following is an entry in ClinVar:

ClinVar aggregate classification (germline): Conflicting classifications of pathogenicity. Review status: criteria provided, conflicting classifications (1 of 4 stars). 5 submissions from 5 submitters: Uncertain significance (1); Likely benign (4). Last evaluated 2025-11-24.

Conditions:
CRYBB1-related disorder. Also called: CRYBB1-related condition.
Cataract 17 multiple types. Also called: CATARACT 17, PULVERULENT; CATARACT 17, CONGENITAL NUCLEAR, AUTOSOMAL RECESSIVE. Identifiers: Orphanet 91492, MedGen C3888124, MONDO:0012688, OMIM 611544.

Allele frequency attached by ClinVar (database versions not stated): gnomAD 0.00085 and 0.00087; gnomAD exomes 0.00091 and 0.00075; TOPMed 0.00094; ESP Exome Variant Server 0.00154; 1000 Genomes Project 0.00040; 1000 Genomes Project 30x 0.00062; ExAC 0.00074.
gnomAD v4.1: 1,449 of 1,614,174 alleles (0.09%); highest among the groups gnomAD compares: Middle Eastern, 0.15%; 2 homozygotes.

Submissions (5):

PreventionGenetics, part of Exact Sciences
Classification: Likely benign for CRYBB1-related condition. Last evaluated: 2025-11-24. Review status: criteria provided, single submitter. Criteria: ACMG Guidelines, 2015. Collection method: clinical testing. Allele origin: germline.
Comment: This variant is classified as likely benign based on ACMG/AMP sequence variant interpretation guidelines (Richards et al. 2015 PMID: 25741868, with internal and published modifications).

Labcorp Genetics (formerly Invitae), Labcorp
Classification: Likely benign for Cataract 17 multiple types. Last evaluated: 2025-07-29. Review status: criteria provided, single submitter. Criteria: Invitae Variant Classification Sherloc (09022015). Collection method: clinical testing. Allele origin: germline.

CeGaT Center for Human Genetics Tuebingen
Classification: Likely benign. Last evaluated: 2025-07-01. Review status: criteria provided, single submitter. Criteria: CeGaT Center For Human Genetics Tuebingen Variant Classification Criteria Version 2. Collection method: clinical testing. Allele origin: germline. Affected: yes. Observed: 1 variant allele.
Comment: CRYBB1: BP4, BP7

Blueprint Genetics
Classification: Likely benign. Last evaluated: 2024-11-06. Review status: criteria provided, single submitter. Criteria: ACMG Guidelines, 2015. Collection method: clinical testing. Allele origin: germline.

Illumina Laboratory Services, Illumina
Classification: Uncertain significance for Cataract 17 multiple types. Last evaluated: 2018-01-13. Review status: criteria provided, single submitter. Criteria: ICSL Variant Classification Criteria 13 December 2019. Collection method: clinical testing. Allele origin: germline.

NM_001887.4(CRYBB1):c.156G>A (p.Ala52=)

Genes: CRYBA4 (crystallin beta A4; plus strand), CRYBB1 (crystallin beta B1; minus strand). Cytogenetic location: 22q12.1.
Variant type: single nucleotide variant.
Coding change: c.156G>A on transcript NM_001887.4 (MANE Select); coding-DNA position 156, G replaced by A.
Protein change: p.Ala52=; no amino-acid change (alanine 52 retained).
Molecular consequence: synonymous variant.
Genome position (GRCh38, 1-based): chr22:26,616,164, C>T on the plus strand (G>A on the coding strand, the complement: CRYBB1 is on the minus strand). VCF-style: chr22-26616164-C-T. GRCh37 (hg19) VCF-style: chr22-27012128-C-T.
Identifiers: ClinVar variation 341049 (VCV000341049.18), dbSNP rs149902597, ClinGen allele CA10165573.